The following is an entry in ClinVar:

ClinVar aggregate classification (germline): Uncertain significance. Review status: criteria provided, multiple submitters, no conflicts (2 of 4 stars). 3 submissions from 2 submitters: Uncertain significance (3). Last evaluated 2022-11-22.

Conditions:
Cholestasis, intrahepatic, of pregnancy, 3. Identifiers: Orphanet 69665, MedGen C3554241, MONDO:0013995, OMIM 614972.
ABCB4-related disorder. Also called: ABCB4-related disorders; ABCB4-related condition.
Progressive familial intrahepatic cholestasis type 3. Also called: Low Gamma-GT Familial Intrahepatic Cholestasis; MDR3 DEFICIENCY. Identifiers: Orphanet 79305, MedGen C1865643, MONDO:0011214, OMIM 602347.

Allele frequency attached by ClinVar (database versions not stated): gnomAD below 0.00001 and 0.00001; TOPMed below 0.00001; gnomAD exomes 0.00002 and 0.00009; ExAC 0.00008; 1000 Genomes Project 30x 0.00016; 1000 Genomes Project 0.00020.
gnomAD v4.1: 37 of 1,614,084 alleles (0.0023%); highest among the groups gnomAD compares: South Asian, 0.034%; no homozygotes.

Submissions (3):

PreventionGenetics, part of Exact Sciences
Classification: Uncertain significance for ABCB4-related condition. Last evaluated: 2022-11-22. Review status: criteria provided, single submitter. Criteria: ACMG Guidelines, 2015. Collection method: clinical testing. Allele origin: germline.
Comment: The ABCB4 c.511A>G variant is predicted to result in the amino acid substitution p.Thr171Ala. To our knowledge, this variant has not been reported in the literature. This variant is reported in 0.069% of alleles in individuals of South Asian descent in gnomAD. Although we suspect that this variant may be benign, at this time, the clinical significance of this variant is uncertain due to the absence of conclusive functional and genetic evidence.

Illumina Laboratory Services, Illumina
Classification: Uncertain significance for Cholestasis, intrahepatic, of pregnancy, 3. Last evaluated: 2018-01-12. Review status: criteria provided, single submitter. Criteria: ICSL Variant Classification Criteria 13 December 2019. Collection method: clinical testing. Allele origin: germline.

Illumina Laboratory Services, Illumina
Classification: Uncertain significance for Progressive familial intrahepatic cholestasis type 3. Last evaluated: 2018-01-12. Review status: criteria provided, single submitter. Criteria: ICSL Variant Classification Criteria 13 December 2019. Collection method: clinical testing. Allele origin: germline.

NM_000443.4(ABCB4):c.511A>G (p.Thr171Ala)

Gene: ABCB4 (ATP binding cassette subfamily B member 4; minus strand). Cytogenetic location: 7q21.12.
Variant type: single nucleotide variant.
Coding change: c.511A>G on transcript NM_000443.4 (MANE Select); coding-DNA position 511, A replaced by G.
Protein change: p.Thr171Ala; replaces threonine 171 with alanine.
Molecular consequence: missense variant.
Genome position (GRCh38, 1-based): chr7:87,452,969, T>C on the plus strand (A>G on the coding strand, the complement: ABCB4 is on the minus strand). VCF-style: chr7-87452969-T-C. GRCh37 (hg19) VCF-style: chr7-87082285-T-C.
Other names: c.511A>G, p.Thr171Ala (NM_018849.3, NM_018850.3); short protein forms T171A.
Identifiers: ClinVar variation 908141 (VCV000908141.5), dbSNP rs542995265, ClinGen allele CA4327528.